The following is an entry in ClinVar:

ClinVar aggregate classification (germline): Uncertain significance. Review status: criteria provided, multiple submitters, no conflicts (2 of 4 stars). 2 submissions from 2 submitters: Uncertain significance (2). Last evaluated 2024-03-02.

Conditions:
Multiple endocrine neoplasia, type 2 (MEN2). Identifiers: Orphanet 653, MedGen C4048306, MONDO:0019003. Disease mechanism: gain of function.
Multiple endocrine neoplasia type 2B. Also called: WAGENMANN-FROBOESE SYNDROME; MULTIPLE ENDOCRINE NEOPLASIA, TYPE III; MEN 2B; Multiple endocrine neoplasia, type 3; MULTIPLE ENDOCRINE NEOPLASIA, TYPE IIB; MEN IIB. Identifiers: Orphanet 247709, Orphanet 653, MedGen C0025269, MeSH D018814, MONDO:0008082, OMIM 162300.
Multiple endocrine neoplasia type 2A. Also called: MULTIPLE ENDOCRINE NEOPLASIA, TYPE IIA; PTC SYNDROME; SIPPLE SYNDROME; MEN 2A; MEN-2A syndrome; Pheochromocytoma and amyloid producing medullary thyroid carcinoma. Identifiers: Orphanet 247698, Orphanet 653, MedGen C0025268, MeSH D018813, MONDO:0008234, OMIM 171400.
Pheochromocytoma. Also called: MAX-Related Hereditary Paraganglioma-Pheochromocytoma Syndrome. Identifiers: Orphanet 29072, MedGen C0031511, MONDO:0008233, OMIM 171300, HP:0002666.
Familial medullary thyroid carcinoma (MTC). Also called: Thyroid cancer, familial medullary; MTC, familial; Familial Medullary Thyroid Carcinoma (FMTC). Identifiers: Orphanet 653, Orphanet 99361, MedGen C1833921, MONDO:0007958, OMIM 155240.
Hirschsprung disease, susceptibility to, 1 (HSCR1). Also called: RET-Related Hirschsprung Disease. Identifiers: Orphanet 388, MedGen C3888239, MONDO:0007723, OMIM 142623.

Submissions (2):

Fulgent Genetics
Classification: Uncertain significance for Hirschsprung disease, susceptibility to, 1; Familial medullary thyroid carcinoma; Multiple endocrine neoplasia type 2B; Pheochromocytoma; Multiple endocrine neoplasia type 2A. Last evaluated: 2024-03-02. Review status: criteria provided, single submitter. Criteria: ACMG Guidelines, 2015. Collection method: clinical testing. Allele origin: germline.

Labcorp Genetics (formerly Invitae), Labcorp
Classification: Uncertain significance for Multiple endocrine neoplasia, type 2. Last evaluated: 2021-10-21. Review status: criteria provided, single submitter. Criteria: Invitae Variant Classification Sherloc (09022015). Collection method: clinical testing. Allele origin: germline.
Comment: This sequence change replaces glycine with aspartic acid at codon 69 of the RET protein (p.Gly69Asp). The glycine residue is weakly conserved and there is a moderate physicochemical difference between glycine and aspartic acid. This variant is not present in population databases (ExAC no frequency). This variant has not been reported in the literature in individuals affected with RET-related conditions. Algorithms developed to predict the effect of missense changes on protein structure and function are either unavailable or do not agree on the potential impact of this missense change (SIFT: "Tolerated"; PolyPhen-2: "Possibly Damaging"; Align-GVGD: "Class C0"). In summary, the available evidence is currently insufficient to determine the role of this variant in disease. Therefore, it has been classified as a Variant of Uncertain Significance.

NM_020975.6(RET):c.206G>A (p.Gly69Asp)

Gene: RET (ret proto-oncogene; plus strand). Cytogenetic location: 10q11.21.
Variant type: single nucleotide variant.
Coding change: c.206G>A on transcript NM_020975.6 (MANE Select); coding-DNA position 206, G replaced by A.
Protein change: p.Gly69Asp; replaces glycine 69 with aspartic acid.
Molecular consequence: missense variant.
Genome position (GRCh38, 1-based): chr10:43,100,591, G>A. VCF-style: chr10-43100591-G-A. GRCh37 (hg19) VCF-style: chr10-43596039-G-A.
Other names: c.206G>A, p.Gly69Asp (NM_000323.2, NM_001406743.1, NM_001406744.1 and 34 more transcripts); short protein forms G69D.
Identifiers: ClinVar variation 1462621 (VCV001462621.8), dbSNP rs2132661188, ClinGen allele CA376770309.